The following is an entry in ClinVar:

NM_152564.5(VPS13B):c.7050+5G>A

Gene: VPS13B (vacuolar protein sorting 13 homolog B; plus strand). Cytogenetic location: 8q22.2.
Variant type: single nucleotide variant.
Coding change: c.7050+5G>A on transcript NM_152564.5 (MANE Select); 5 bases into the intron after coding-DNA position 7050, G replaced by A.
Molecular consequence: intron variant.
Genome position (GRCh38, 1-based): chr8:99,721,052, G>A. VCF-style: chr8-99721052-G-A. GRCh37 (hg19) VCF-style: chr8-100733280-G-A.
Other names: c.7125+5G>A (NM_017890.5).
Identifiers: ClinVar variation 1445093 (VCV001445093.3), dbSNP rs1302816737, ClinGen allele CA857577697.

ClinVar aggregate classification (germline): Uncertain significance (1 of 4 stars; one submission).

Conditions:
Cohen syndrome (COH1). Also called: Cutis verticis gyrata, retinitis pigmentosa, and sensorineural deafness; PEPPER SYNDROME. Identifiers: Orphanet 193, MedGen C0265223, MONDO:0008999, OMIM 216550.

Allele frequency attached by ClinVar (database versions not stated): TOPMed below 0.00001.

Submission:

Labcorp Genetics (formerly Invitae), Labcorp
Classification: Uncertain significance for Cohen syndrome. Last evaluated: 2021-05-09. Review status: criteria provided, single submitter. Criteria: Invitae Variant Classification Sherloc (09022015). Collection method: clinical testing. Allele origin: germline.
Comment: This sequence change falls in intron 39 of the VPS13B gene. It does not directly change the encoded amino acid sequence of the VPS13B protein. It affects a nucleotide within the consensus splice site of the intron. This variant is not present in population databases (ExAC no frequency). This variant has not been reported in the literature in individuals with VPS13B-related conditions. Nucleotide substitutions within the consensus splice site are a relatively common cause of aberrant splicing (PMID: 17576681, 9536098). Algorithms developed to predict the effect of sequence changes on RNA splicing suggest that this variant may disrupt the consensus splice site, but this prediction has not been confirmed by published transcriptional studies. In summary, the available evidence is currently insufficient to determine the role of this variant in disease. Therefore, it has been classified as a Variant of Uncertain Significance.

Literature cited by the submitters: PubMed 17576681; PubMed 9536098.